The following is an entry in ClinVar:

ClinVar aggregate classification (germline): Uncertain significance (1 of 4 stars; one submission).

Allele frequency attached by ClinVar (database versions not stated): TOPMed 0.00001; gnomAD 0.00002.

Submission:

Labcorp Genetics (formerly Invitae), Labcorp
Classification: Uncertain significance. Last evaluated: 2022-07-19. Review status: criteria provided, single submitter. Criteria: Invitae Variant Classification Sherloc (09022015). Collection method: clinical testing. Allele origin: germline.
Comment: In summary, the available evidence is currently insufficient to determine the role of this variant in disease. Therefore, it has been classified as a Variant of Uncertain Significance. Algorithms developed to predict the effect of missense changes on protein structure and function output the following: SIFT: "Tolerated"; PolyPhen-2: "Benign"; Align-GVGD: "Class C0". The valine amino acid residue is found in multiple mammalian species, which suggests that this missense change does not adversely affect protein function. ClinVar contains an entry for this variant (Variation ID: 1499598). This variant has not been reported in the literature in individuals affected with IGSF10-related conditions. This variant is not present in population databases (gnomAD no frequency). This sequence change replaces methionine, which is neutral and non-polar, with valine, which is neutral and non-polar, at codon 1297 of the IGSF10 protein (p.Met1297Val).

NM_178822.5(IGSF10):c.3889A>G (p.Met1297Val)

Gene: IGSF10 (immunoglobulin superfamily member 10; minus strand). Cytogenetic location: 3q25.1.
Variant type: single nucleotide variant.
Coding change: c.3889A>G on transcript NM_178822.5 (MANE Select); coding-DNA position 3889, A replaced by G.
Protein change: p.Met1297Val; replaces methionine 1297 with valine.
Molecular consequence: missense variant.
Genome position (GRCh38, 1-based): chr3:151,446,092, T>C on the plus strand (A>G on the coding strand, the complement: IGSF10 is on the minus strand). VCF-style: chr3-151446092-T-C. GRCh37 (hg19) VCF-style: chr3-151163880-T-C.
Other names: c.3889A>G, p.Met1297Val (NM_001385060.1, NM_001385061.1, NM_001385062.1 and 1 more transcripts); short protein forms M1297V.
Identifiers: ClinVar variation 1499598 (VCV001499598.6), dbSNP rs1220416099, ClinGen allele CA354997160.